The following is an entry in ClinVar:

ClinVar aggregate classification (germline): Uncertain significance. Review status: criteria provided, multiple submitters, no conflicts (2 of 4 stars). 2 submissions from 2 submitters: Uncertain significance (2). Last evaluated 2025-03-01.

Conditions:
Hereditary cancer-predisposing syndrome. Also called: Hereditary Cancer Syndrome; Tumor predisposition; Hereditary neoplastic syndrome; Neoplastic Syndromes, Hereditary. Identifiers: Orphanet 140162, MedGen C0027672, MeSH D009386, MONDO:0015356.
Fanconi anemia (FA). Also called: Fanconi's anemia. Identifiers: Orphanet 84, MedGen C0015625, MeSH D005199, MONDO:0019391.

Allele frequency attached by ClinVar (database versions not stated): gnomAD exomes below 0.00001.
gnomAD v4.1: 2 of 1,614,164 alleles (0.00012%); highest among the groups gnomAD compares: Non-Finnish European, 0.000085%; no homozygotes.

Submissions (2):

Ambry Genetics
Classification: Uncertain significance for Hereditary cancer-predisposing syndrome. Last evaluated: 2025-03-01. Review status: criteria provided, single submitter. Criteria: Ambry Variant Classification Scheme 2023. Collection method: clinical testing. Allele origin: germline.
Comment: The p.E377K variant (also known as c.1129G>A), located in coding exon 11 of the FANCC gene, results from a G to A substitution at nucleotide position 1129. The glutamic acid at codon 377 is replaced by lysine, an amino acid with similar properties. This amino acid position is conserved. In addition, this alteration is predicted to be tolerated by in silico analysis. Based on the available evidence, the clinical significance of this variant remains unclear.

Labcorp Genetics (formerly Invitae), Labcorp
Classification: Uncertain significance for Fanconi anemia. Last evaluated: 2020-05-05. Review status: criteria provided, single submitter. Criteria: Invitae Variant Classification Sherloc (09022015). Collection method: clinical testing. Allele origin: germline.
Comment: This sequence change replaces glutamic acid with lysine at codon 377 of the FANCC protein (p.Glu377Lys). The glutamic acid residue is moderately conserved and there is a small physicochemical difference between glutamic acid and lysine. This variant is not present in population databases (ExAC no frequency). This variant has not been reported in the literature in individuals with FANCC-related conditions. Algorithms developed to predict the effect of missense changes on protein structure and function output the following: SIFT: "Tolerated"; PolyPhen-2: "Benign"; Align-GVGD: "Class C0". The lysine amino acid residue is found in multiple mammalian species, suggesting that this missense change does not adversely affect protein function. These predictions have not been confirmed by published functional studies and their clinical significance is uncertain. In summary, the available evidence is currently insufficient to determine the role of this variant in disease. Therefore, it has been classified as a Variant of Uncertain Significance.

NM_000136.3(FANCC):c.1129G>A (p.Glu377Lys)

Genes: FANCC (FA complementation group C; minus strand), AOPEP (aminopeptidase O (putative); plus strand). Cytogenetic location: 9q22.32.
Variant type: single nucleotide variant.
Coding change: c.1129G>A on transcript NM_000136.3 (MANE Select); coding-DNA position 1129, G replaced by A.
Protein change: p.Glu377Lys; replaces glutamic acid 377 with lysine.
Molecular consequence: missense variant.
Genome position (GRCh38, 1-based): chr9:95,114,654, C>T on the plus strand (G>A on the coding strand, the complement: FANCC is on the minus strand). VCF-style: chr9-95114654-C-T. GRCh37 (hg19) VCF-style: chr9-97876936-C-T.
Other names: c.1129G>A (NM_000136.2); c.1129G>A, p.Glu377Lys (NM_001243743.2, NM_001243744.2); short protein forms E377K.
Identifiers: ClinVar variation 1040922 (VCV001040922.9), dbSNP rs1588060425, ClinGen allele CA374107957.